The following is an entry in ClinVar:

ClinVar aggregate classification (germline): Uncertain significance (1 of 4 stars; one submission).

Submission:

Women's Health and Genetics/Laboratory Corporation of America, LabCorp
Classification: Uncertain significance. Last evaluated: 2026-04-23. Review status: criteria provided, single submitter. Criteria: LabCorp Variant Classification Summary - May 2015. Collection method: clinical testing. Allele origin: germline.
Comment: Variant summary: DOCK7 c.3440T>C (p.Val1147Ala) results in a non-conservative amino acid change in the encoded protein sequence. Algorithms developed to predict the effect of missense changes on protein structure and function are either unavailable or do not agree on the potential impact of this missense change. The variant was absent in 251046 control chromosomes. The available data on variant occurrences in the general population are insufficient to allow any conclusion about variant significance. To our knowledge, no occurrence of c.3440T>C in individuals affected with DOCK7-related conditions and no experimental evidence demonstrating its impact on protein function have been reported. No submitters have cited clinical-significance assessments for this variant to ClinVar. Based on the evidence outlined above, the variant was classified as uncertain significance.

NM_001367561.1(DOCK7):c.3533T>C (p.Val1178Ala)

Gene: DOCK7 (dedicator of cytokinesis 7; minus strand). Cytogenetic location: 1p31.3.
Variant type: single nucleotide variant.
Coding change: c.3533T>C on transcript NM_001367561.1 (MANE Select); coding-DNA position 3533, T replaced by C.
Protein change: p.Val1178Ala; replaces valine 1178 with alanine.
Molecular consequence: missense variant.
Genome position (GRCh38, 1-based): chr1:62,535,571, A>G on the plus strand (T>C on the coding strand, the complement: DOCK7 is on the minus strand). VCF-style: chr1-62535571-A-G. GRCh37 (hg19) VCF-style: chr1-63001242-A-G.
Other names: c.3533T>C, p.Val1178Ala (NM_001271999.2, NM_001330614.2); c.3440T>C, p.Val1147Ala (NM_001272000.2, NM_001272001.2, NM_033407.4); short protein forms V1147A, V1178A.
Identifiers: ClinVar variation 4849126 (VCV004849126.1).